The following is an entry in ClinVar:

NM_000548.5(TSC2):c.4245G>C (p.Lys1415Asn)

Gene: TSC2 (TSC complex subunit 2; plus strand). Cytogenetic location: 16p13.3.
Variant type: single nucleotide variant.
Coding change: c.4245G>C on transcript NM_000548.5 (MANE Select); coding-DNA position 4245, G replaced by C.
Protein change: p.Lys1415Asn; replaces lysine 1415 with asparagine.
Molecular consequence: missense variant. On other transcripts: non-coding transcript variant (5).
Genome position (GRCh38, 1-based): chr16:2,084,467, G>C. VCF-style: chr16-2084467-G-C. GRCh37 (hg19) VCF-style: chr16-2134468-G-C.
Other names: c.4044G>C, p.Lys1348Asn (NM_001077183.3); c.4176G>C, p.Lys1392Asn (NM_001114382.3); c.3936G>C, p.Lys1312Asn (NM_001318827.2); c.3900G>C, p.Lys1300Asn (NM_001318829.2); c.3513G>C, p.Lys1171Asn (NM_001318831.2); c.4077G>C, p.Lys1359Asn (NM_001318832.2); c.4047G>C, p.Lys1349Asn (NM_001363528.2); c.4113G>C, p.Lys1371Asn (NM_001370404.1); and 26 more; short protein forms K1148N, K1149N, K1171N, K1191N, K1192N, K1195N, K1215N, K1299N.
Identifiers: ClinVar variation 3075053 (VCV003075053.1), dbSNP rs1431882138, ClinGen allele CA394300391.

ClinVar aggregate classification (germline): Uncertain significance (1 of 4 stars; one submission).

Conditions:
Tuberous sclerosis syndrome (TSC). Also called: Tuberous Sclerosis Complex; Tuberous sclerosis. Identifiers: Orphanet 805, MedGen C0041341, MONDO:0001734.

Submission:

All of Us Research Program, National Institutes of Health
Classification: Uncertain significance for Tuberous sclerosis syndrome. Last evaluated: 2023-12-18. Review status: criteria provided, single submitter. Criteria: ACMG Guidelines, 2015. Collection method: clinical testing. Allele origin: germline. Inheritance: Autosomal dominant inheritance. Observed: 1 variant allele, 1 heterozygote.
Comment: This missense variant replaces lysine with asparagine at codon 1415 of the TSC2 protein. Computational prediction suggests that this variant may not impact protein structure and function (internally defined REVEL score threshold <= 0.5, PMID: 27666373). To our knowledge, functional studies have not been reported for this variant. This variant has not been reported in individuals affected with TSC2-related disorders in the literature. This variant has not been identified in the general population by the Genome Aggregation Database (gnomAD). The available evidence is insufficient to determine the role of this variant in disease conclusively. Therefore, this variant is classified as a Variant of Uncertain Significance.

This study involves interpretation of variants in research participants for the purpose of population health screening. Participant phenotype was not available at the time of variant classification. Additional details can be found in publication PMID: 35346344, PMCID: PMC8962531